The following is an entry in ClinVar:

ClinVar aggregate classification (germline): Uncertain significance (1 of 4 stars; one submission).

Conditions:
DOCK2 deficiency. Also called: Immunodeficiency 40. Identifiers: Orphanet 447737, MedGen C4225328, MONDO:0014637, OMIM 616433.

Allele frequency attached by ClinVar (database versions not stated): TOPMed 0.00002.
gnomAD v4.1: 4 of 1,613,380 alleles (0.00025%); highest among the groups gnomAD compares: South Asian, 0.0011%; no homozygotes.

Submission:

Labcorp Genetics (formerly Invitae), Labcorp
Classification: Uncertain significance for DOCK2 deficiency. Last evaluated: 2025-07-07. Review status: criteria provided, single submitter. Criteria: Invitae Variant Classification Sherloc (09022015). Collection method: clinical testing. Allele origin: germline.
Comment: This sequence change replaces threonine, which is neutral and polar, with isoleucine, which is neutral and non-polar, at codon 1657 of the DOCK2 protein (p.Thr1657Ile). The frequency data for this variant in the population databases is considered unreliable, as metrics indicate poor data quality at this position in the gnomAD database. This variant has not been reported in the literature in individuals affected with DOCK2-related conditions. ClinVar contains an entry for this variant (Variation ID: 1041902). An algorithm developed to predict the effect of missense changes on protein structure and function (PolyPhen-2) suggests that this variant is likely to be tolerated. In summary, the available evidence is currently insufficient to determine the role of this variant in disease. Therefore, it has been classified as a Variant of Uncertain Significance.

NM_004946.3(DOCK2):c.4970C>T (p.Thr1657Ile)

Gene: DOCK2 (dedicator of cytokinesis 2; plus strand). Cytogenetic location: 5q35.1.
Variant type: single nucleotide variant.
Coding change: c.4970C>T on transcript NM_004946.3 (MANE Select); coding-DNA position 4970, C replaced by T.
Protein change: p.Thr1657Ile; replaces threonine 1657 with isoleucine.
Molecular consequence: missense variant. On other transcripts: non-coding transcript variant (1).
Genome position (GRCh38, 1-based): chr5:170,077,813, C>T. VCF-style: chr5-170077813-C-T. GRCh37 (hg19) VCF-style: chr5-169504817-C-T.
Other names: short protein forms T1657I.
Identifiers: ClinVar variation 1041902 (VCV001041902.8), dbSNP rs752968198, ClinGen allele CA132026106.
Genomic context (GRCh38, chr5:170,077,813, plus strand): 5'-TGCGCTCATACAGACAGATGTCCATCATCTCTCTGGCTTCCATGAATTCTGACTGCAGCA[C>T]CCCCAGCAAGCCTACCTCAGAGAGGTCAGTCCCTGCACCCCAAGGAGCCCCCCACACCCC-3'
Protein context (NP_004937.1, residues 1647-1667): SLASMNSDCS[Thr1657Ile]PSKPTSESFD